The following is an entry in ClinVar:

ClinVar aggregate classification (germline): Conflicting classifications of pathogenicity. Review status: criteria provided, conflicting classifications (1 of 4 stars). 2 submissions from 2 submitters: Uncertain significance (1); Likely benign (1). Last evaluated 2024-06-20.

Conditions:
Cardiovascular phenotype. Identifiers: MedGen CN230736.

Allele frequency attached by ClinVar (database versions not stated): gnomAD 0.00001; TOPMed 0.00001.
gnomAD v4.1: 27 of 1,569,744 alleles (0.0017%); highest among the groups gnomAD compares: Middle Eastern, 0.017%; no homozygotes.

Submissions (2):

GeneDx
Classification: Uncertain significance. Last evaluated: 2024-06-20. Review status: criteria provided, single submitter. Criteria: GeneDx Variant Classification Process June 2021. Collection method: clinical testing. Allele origin: germline. Affected: yes.
Comment: Has not been previously published as pathogenic or benign to our knowledge; In silico analysis supports that this missense variant has a deleterious effect on protein structure/function

Ambry Genetics
Classification: Likely benign for Cardiovascular phenotype. Last evaluated: 2024-05-26. Review status: criteria provided, single submitter. Criteria: Ambry Variant Classification Scheme 2023. Collection method: clinical testing. Allele origin: germline.

NM_001365276.2(TNXB):c.1248C>A (p.Asp416Glu)

Gene: TNXB (tenascin XB; minus strand). Cytogenetic location: 6p21.33.
Variant type: single nucleotide variant.
Coding change: c.1248C>A on transcript NM_001365276.2 (MANE Select); coding-DNA position 1248, C replaced by A.
Protein change: p.Asp416Glu; replaces aspartic acid 416 with glutamic acid.
Molecular consequence: missense variant.
Genome position (GRCh38, 1-based): chr6:32,096,605, G>T on the plus strand (C>A on the coding strand, the complement: TNXB is on the minus strand). VCF-style: chr6-32096605-G-T. GRCh37 (hg19) VCF-style: chr6-32064382-G-T.
Other names: c.1248C>A, p.Asp416Glu (NM_019105.8); short protein forms D416E.
Identifiers: ClinVar variation 1759927 (VCV001759927.4), dbSNP rs775030992, ClinGen allele CA136906235.